The following is an entry in ClinVar:

ClinVar aggregate classification (germline): Pathogenic. Review status: criteria provided, multiple submitters, no conflicts (2 of 4 stars). 2 submissions from 2 submitters: Pathogenic (2). Last evaluated 2026-07-24.

Conditions:
Trimethylaminuria (TMAU). Also called: FISH-ODOR SYNDROME; Fish malodor syndrome; Stale fish syndrome; TMAuria; Primary Trimethylaminuria. Identifiers: MedGen C0342739, MONDO:0011182, OMIM 602079, HP:0003614. Disease mechanism: loss of function.

Submissions (2):

Myriad Genetics, Inc.
Classification: Pathogenic for Trimethylaminuria. Last evaluated: 2026-07-24. Review status: criteria provided, single submitter. Criteria: Myriad Autosomal Dominant, Autosomal Recessive and X-Linked Classification Criteria (2023). Collection method: clinical testing. Allele origin: unknown.
Comment: NM_001002294.2(FMO3):c.530_531dupAA(E178Kfs*35) is expected to be pathogenic in the context of primary trimethylaminuria. This variant is predicted to lead to an abnormal or absent protein product due to the creation of a premature termination codon in FMO3, a gene where loss-of-function variants are known to be pathogenic. Please note: this variant was assessed in the context of healthy population screening.

Labcorp Genetics (formerly Invitae), Labcorp
Classification: Pathogenic. Last evaluated: 2026-01-09. Review status: criteria provided, single submitter. Criteria: Invitae Variant Classification Sherloc (09022015). Collection method: clinical testing. Allele origin: germline.
Comment: This sequence change creates a premature translational stop signal (p.Glu178Lysfs*35) in the FMO3 gene. It is expected to result in an absent or disrupted protein product. Loss-of-function variants in FMO3 are known to be pathogenic (PMID: 20301282). This variant is not present in population databases (gnomAD no frequency). This variant has not been reported in the literature in individuals affected with FMO3-related conditions. ClinVar contains an entry for this variant (Variation ID: 2702005). For these reasons, this variant has been classified as Pathogenic.

Literature cited by the submitters: PubMed 20301282 (cited by Labcorp Genetics (formerly Invitae), Labcorp).

NM_001002294.3(FMO3):c.530_531dup (p.Glu178fs)

Genes: FMO3 (flavin containing dimethylaniline monoxygenase 3; plus strand), LOC126805916 (BRD4-independent group 4 enhancer GRCh37_chr1:171076844-171078043; plus strand). Cytogenetic location: 1q24.3.
Variant type: Duplication.
Coding change: c.530_531dup on transcript NM_001002294.3 (MANE Select); coding-DNA positions 530 to 531, 2 bases duplicated (AA; older notation c.530_531dupAA).
Protein change: p.Glu178fs; shifts the reading frame from glutamic acid 178.
Molecular consequence: frameshift variant.
Genome position (GRCh38, 1-based): chr1:171,108,124-171,108,125, AA duplicated; duplicating any 2 consecutive bases within chr1:171,108,123-171,108,125 gives the same sequence; the c. name uses the placement nearest the transcript's 3' end. VCF-style (leftmost placement, unchanged base first): chr1-171108122-T-TAA. GRCh37 (hg19) VCF-style: chr1-171077263-T-TAA.
Other names: c.470_471dup, p.Glu158fs (NM_001319173.2); c.341_342dup, p.Glu115fs (NM_001319174.2); c.530_531dup, p.Glu178fs (NM_006894.6); short protein forms E115fs, E178fs, E158fs.
Identifiers: ClinVar variation 2702005 (VCV002702005.4), dbSNP rs1655731489, ClinGen allele CA1009093859.
Genomic context (GRCh38, chr1:171,108,122, plus strand): 5'-TCTCACTTTTCACTCAGGACTAAACCACTTTAAAGGCAAATGCTTCCACAGCAGGGACTA[T>TAA]AAAGAACCAGGTGTATTCAATGGAAAGCGTGTCCTGGTGGTTGGCCTGGGGAATTCGGGC-3'